The following is an entry in ClinVar:

NM_003227.4(TFR2):c.1259G>A (p.Arg420His)

Gene: TFR2 (transferrin receptor 2; minus strand). Cytogenetic location: 7q22.1.
Variant type: single nucleotide variant.
Coding change: c.1259G>A on transcript NM_003227.4 (MANE Select); coding-DNA position 1259, G replaced by A.
Protein change: p.Arg420His; replaces arginine 420 with histidine.
Molecular consequence: missense variant.
Genome position (GRCh38, 1-based): chr7:100,630,900, C>T on the plus strand (G>A on the coding strand, the complement: TFR2 is on the minus strand). VCF-style: chr7-100630900-C-T. GRCh37 (hg19) VCF-style: chr7-100228523-C-T.
Other names: c.746G>A, p.Arg249His (NM_001206855.3); short protein forms R249H, R420H.
Identifiers: ClinVar variation 910795 (VCV000910795.7), dbSNP rs146901123, ClinGen allele CA4386518.

ClinVar aggregate classification (germline): Uncertain significance. Review status: criteria provided, multiple submitters, no conflicts (2 of 4 stars). 4 submissions from 4 submitters: Uncertain significance (4). Last evaluated 2026-04-03.

Conditions:
TFR2-related disorder. Also called: TFR2-related condition.
Hemochromatosis type 3 (HFE3). Also called: Hereditary hemochromatosis type 3; HEMOCHROMATOSIS DUE TO DEFECT IN TRANSFERRIN RECEPTOR 2; TFR2-Related Hemochromatosis. Identifiers: Orphanet 225123, MedGen C1858664, MONDO:0011417, OMIM 604250.

Allele frequency attached by ClinVar (database versions not stated): ESP Exome Variant Server 0.00008; 1000 Genomes Project 30x 0.00016; gnomAD 0.00018 and 0.00019; gnomAD exomes 0.00018 and 0.00022; TOPMed 0.00018; 1000 Genomes Project 0.00020; ExAC 0.00021.
gnomAD v4.1: 338 of 1,612,790 alleles (0.021%); highest among the groups gnomAD compares: Non-Finnish European, 0.027%; no homozygotes.

Submissions (4):

PreventionGenetics, part of Exact Sciences
Classification: Uncertain significance for TFR2-related condition. Last evaluated: 2026-04-03. Review status: criteria provided, single submitter. Criteria: ACMG Guidelines, 2015. Collection method: clinical testing. Allele origin: germline.
Comment: The TFR2 c.1259G>A variant is predicted to result in the amino acid substitution p.Arg420His. In the three affected individuals in this family, they also carried a pathogenic FTL gene that was causative for hyperferritinemia (Del Castillo-Rueda et al 2011. PubMed ID: 21524769). This variant is reported in 0.032% of alleles in individuals of European Non-Finnish) descent in gnomAD. At this time, the clinical significance of this variant is uncertain due to the absence of conclusive functional and genetic evidence.

Fulgent Genetics
Classification: Uncertain significance for Hemochromatosis type 3. Last evaluated: 2021-08-19. Review status: criteria provided, single submitter. Criteria: ACMG Guidelines, 2015. Collection method: clinical testing. Allele origin: unknown.

Department of Pathology and Laboratory Medicine, Sinai Health System
Classification: Uncertain significance for Hemochromatosis type 3. Last evaluated: 2021-08-12. Review status: criteria provided, single submitter. Criteria: ACMG Guidelines, 2015. Collection method: research. Allele origin: germline.

Illumina Laboratory Services, Illumina
Classification: Uncertain significance for Hemochromatosis type 3. Last evaluated: 2017-04-27. Review status: criteria provided, single submitter. Criteria: ICSL Variant Classification Criteria 13 December 2019. Collection method: clinical testing. Allele origin: germline.
Comment: This variant was observed as part of a predisposition screen in an ostensibly healthy population. A literature search was performed for the gene, cDNA change, and amino acid change (where applicable). Publications were found based on this search. However, the evidence from the literature, in combination with allele frequency data from public databases where available, was not sufficient to rule this variant in or out of causing disease. Therefore, this variant is classified as a variant of unknown significance.

Literature cited by the submitters: PubMed 21524769 (cited by Illumina Laboratory Services, Illumina).